The following is an entry in ClinVar:

ClinVar aggregate classification (germline): Pathogenic (1 of 4 stars; one submission).

Submission:

Labcorp Genetics (formerly Invitae), Labcorp
Classification: Pathogenic. Last evaluated: 2021-12-15. Review status: criteria provided, single submitter. Criteria: Invitae Variant Classification Sherloc (09022015). Collection method: clinical testing. Allele origin: germline.
Comment: For these reasons, this variant has been classified as Pathogenic. This variant has not been reported in the literature in individuals affected with MYO7A-related conditions. This variant is not present in population databases (gnomAD no frequency). This sequence change creates a premature translational stop signal (p.Lys1430*) in the MYO7A gene. It is expected to result in an absent or disrupted protein product. Loss-of-function variants in MYO7A are known to be pathogenic (PMID: 8900236, 25404053).

Literature cited by the submitters: PubMed 8900236; PubMed 25404053.

NM_000260.4(MYO7A):c.4288A>T (p.Lys1430Ter)

Gene: MYO7A (myosin VIIA; plus strand). Cytogenetic location: 11q13.5.
Variant type: single nucleotide variant.
Coding change: c.4288A>T on transcript NM_000260.4 (MANE Select); coding-DNA position 4288, A replaced by T.
Protein change: p.Lys1430Ter; replaces lysine 1430 with a stop codon.
Molecular consequence: nonsense.
Genome position (GRCh38, 1-based): chr11:77,194,489, A>T. VCF-style: chr11-77194489-A-T. GRCh37 (hg19) VCF-style: chr11-76905534-A-T.
Other names: c.4288A>T, p.Lys1430Ter (NM_001127180.2); c.4255A>T, p.Lys1419Ter (NM_001369365.1); short protein forms K1419*, K1430*.
Identifiers: ClinVar variation 1418560 (VCV001418560.6), dbSNP rs2135620410, ClinGen allele CA381949346.